The following is an entry in ClinVar:

ClinVar aggregate classification (germline): Benign/Likely benign. Review status: criteria provided, multiple submitters, no conflicts (2 of 4 stars). 27 submissions from 26 submitters: Benign (18); Likely benign (3). 6 of the submissions do not count toward it. Last evaluated 2026-09-01.

Conditions:
Tuberous sclerosis 2 (TSC2). Identifiers: Orphanet 805, MedGen C1860707, MONDO:0013199, OMIM 613254.
Isolated focal cortical dysplasia type II (FCORD2). Also called: Focal cortical dysplasia type II; CORTICAL DYSPLASIA OF TAYLOR. Identifiers: Orphanet 268994, MedGen C1846385, MONDO:0011818, OMIM 607341, HP:0032051.
Lymphangiomyomatosis (LAM). Also called: Lymphangioleiomyomatosis, somatic; Lymphangioleiomyomatosis. Identifiers: Orphanet 538, MedGen C0751674, MONDO:0011705, OMIM 606690.
Hereditary cancer-predisposing syndrome. Also called: Neoplastic Syndromes, Hereditary; Hereditary neoplastic syndrome; Hereditary Cancer Syndrome; Tumor predisposition. Identifiers: Orphanet 140162, MedGen C0027672, MeSH D009386, MONDO:0015356.
Polycystic kidney disease, adult type (PKD1). Also called: Polycystic Kidney, Autosomal Dominant; POLYCYSTIC KIDNEY DISEASE 1 WITH OR WITHOUT POLYCYSTIC LIVER DISEASE; Polycystic Kidney Disease 1, Autosomal Dominant; Polycystic kidney disease 1; Polycystic kidney disease 1, severe; POLYCYSTIC KIDNEY DISEASE, ADULT, TYPE I. Identifiers: MedGen C3149841, MONDO:0008263, OMIM 173900.
Tuberous sclerosis syndrome (TSC). Also called: Tuberous sclerosis; Tuberous Sclerosis Complex. Identifiers: Orphanet 805, MedGen C0041341, MONDO:0001734.

Allele frequency attached by ClinVar (database versions not stated): 1000 Genomes Project 30x 0.01109; 1000 Genomes Project 0.01058; gnomAD exomes 0.00242; ESP Exome Variant Server 0.01000; TOPMed 0.01034; ExAC 0.00300; gnomAD 0.00888 and 0.00948.
gnomAD v4.1: 2,693 of 1,612,806 alleles (0.17%); highest among the groups gnomAD compares: African/African-American, 3.2%; 52 homozygotes.

Submissions (27):

CeGaT Center for Human Genetics Tuebingen
Classification: Benign. Last evaluated: 2026-09-01. Review status: criteria provided, single submitter. Criteria: CeGaT Center For Human Genetics Tuebingen Variant Classification Criteria Version 2. Collection method: clinical testing. Allele origin: germline. Affected: yes. Observed: 14 variant alleles.
Comment: TSC2: BP4, BS1, BS2

Labcorp Genetics (formerly Invitae), Labcorp
Classification: Benign for Tuberous sclerosis 2. Last evaluated: 2026-02-04. Review status: criteria provided, single submitter. Criteria: Invitae Variant Classification Sherloc (09022015). Collection method: clinical testing. Allele origin: germline.

Mayo Clinic Laboratories, Mayo Clinic
Classification: Benign. Last evaluated: 2025-08-14. Review status: criteria provided, single submitter. Criteria: ACMG Guidelines, 2015. Collection method: clinical testing. Allele origin: germline. Observed: 17 variant alleles.
Comment: BA1

Myriad Genetics, Inc.
Classification: Benign for Tuberous sclerosis 2. Last evaluated: 2025-06-09. Review status: criteria provided, single submitter. Criteria: Myriad Autosomal Dominant, Autosomal Recessive and X-Linked Classification Criteria (2023). Collection method: clinical testing. Allele origin: unknown.
Comment: This variant is considered benign. This variant has been observed at a population frequency that is significantly greater than expected given the associated disease prevalence and penetrance. Homozygosity has been confirmed in one or more individuals. As homozygosity for pathogenic variants in this gene is generally assumed to result in embryonic lethality, this variant is unlikely to be pathogenic.

ARUP Laboratories, Molecular Genetics and Genomics, ARUP Laboratories
Classification: Benign. Last evaluated: 2025-05-07. Review status: criteria provided, single submitter. Criteria: ARUP Molecular Germline Variant Investigation Process 2024. Collection method: clinical testing. Allele origin: germline.

KCCC/NGS Laboratory, Kuwait Cancer Control Center
Classification: Benign for Polycystic kidney disease, adult type. Last evaluated: 2025-02-01. Review status: criteria provided, single submitter. Criteria: ACMG Guidelines, 2015. Collection method: clinical testing. Allele origin: germline. Affected: no.

Department of Pathology and Laboratory Medicine, Sinai Health System
Classification: Benign for Lymphangiomyomatosis; Isolated focal cortical dysplasia type II; Tuberous sclerosis 2. Last evaluated: 2024-12-27. Review status: criteria provided, single submitter. Criteria: ACMG Guidelines, 2015. Collection method: clinical testing. Allele origin: germline.

Athena Diagnostics
Classification: Benign. Last evaluated: 2024-10-15. Review status: criteria provided, single submitter. Criteria: Athena Diagnostics Criteria. Collection method: clinical testing. Allele origin: unknown.

KCCC/NGS Laboratory, Kuwait Cancer Control Center
Classification: Benign for Tuberous sclerosis 2. Last evaluated: 2023-07-07. Review status: criteria provided, single submitter. Criteria: ACMG Guidelines, 2015. Collection method: clinical testing. Allele origin: germline. Affected: yes.

Color Diagnostics, LLC DBA Color Health
Classification: Benign for Tuberous sclerosis syndrome. Last evaluated: 2022-09-30. Review status: criteria provided, single submitter. Criteria: ACMG Guidelines, 2015. Collection method: clinical testing. Allele origin: germline.

Genome-Nilou Lab
Classification: Benign for Tuberous sclerosis 2. Last evaluated: 2021-11-07. Review status: criteria provided, single submitter. Criteria: ACMG Guidelines, 2015. Collection method: clinical testing. Allele origin: germline. Affected: no.

Fulgent Genetics
Classification: Likely benign for Polycystic kidney disease, adult type. Last evaluated: 2021-11-04. Review status: criteria provided, single submitter. Criteria: ACMG Guidelines, 2015. Collection method: clinical testing. Allele origin: unknown.

Sema4
Classification: Benign for Hereditary cancer-predisposing syndrome. Last evaluated: 2020-09-10. Review status: criteria provided, single submitter. Criteria: Sema4 Curation Guidelines. Collection method: curation. Allele origin: germline.

Illumina Laboratory Services, Illumina
Classification: Benign for Tuberous sclerosis syndrome. Last evaluated: 2018-01-13. Review status: criteria provided, single submitter. Criteria: ICSL Variant Classification Criteria 13 December 2019. Collection method: clinical testing. Allele origin: germline.
Comment: This variant was observed in the ICSL laboratory as part of a predisposition screen in an ostensibly healthy population. It had not been previously curated by ICSL or reported in the Human Gene Mutation Database (HGMD: prior to June 1st, 2018), and was therefore a candidate for classification through an automated scoring system. Utilizing variant allele frequency, disease prevalence and penetrance estimates, and inheritance mode, an automated score was calculated to assess if this variant is too frequent to cause the disease. Based on the score and internal cut-off values, a variant classified as benign is not then subjected to further curation. The score for this variant resulted in a classification of benign for this disease.

Women's Health and Genetics/Laboratory Corporation of America, LabCorp
Classification: Benign. Last evaluated: 2017-06-16. Review status: criteria provided, single submitter. Criteria: LabCorp Variant Classification Summary - May 2015. Collection method: clinical testing. Allele origin: germline.
Comment: Variant summary: The TSC2 c.5321G>C (p.Ser1774Thr) variant involves the alteration of a non-conserved nucleotide. 4/4 in silico tools predict a benign outcome for this variant (SNPsandGO not captured due to low reliability index). This variant was found in 359/119808 control chromosomes (6 homozygotes), predominantly observed in the African subpopulation at a frequency of 0.033497 (342/10210). This frequency is about 487 times the estimated maximal expected allele frequency of a pathogenic TSC2 variant (0.0000688), strong evidence that this is a benign polymorphism found primarily in the populations of African origin. In addition, multiple clinical diagnostic laboratories/reputable databases classified this variant as benign. Taken together, this variant is classified as benign.

Center for Pediatric Genomic Medicine, Children's Mercy Hospital and Clinics
Classification: Likely benign. Last evaluated: 2015-08-19. Review status: criteria provided, single submitter. Criteria: ACMG Guidelines, 2015. Collection method: clinical testing. Allele origin: germline.
ClinVar note: Converted during submission from Likely Benign to Likely benign.

Ambry Genetics
Classification: Benign for Hereditary cancer-predisposing syndrome. Last evaluated: 2015-04-06. Review status: criteria provided, single submitter. Criteria: Ambry Variant Classification Scheme 2023. Collection method: clinical testing. Allele origin: germline.

Eurofins Ntd Llc (ga)
Classification: Benign. Last evaluated: 2015-04-02. Review status: criteria provided, single submitter. Criteria: EGL Classification Definitions 2015. Collection method: clinical testing. Allele origin: germline. Observed: 2 variant alleles, 2 heterozygotes.

GeneDx
Classification: Benign. Last evaluated: 2015-03-03. Review status: criteria provided, single submitter. Criteria: GeneDx Variant Classification Process June 2021. Collection method: clinical testing. Allele origin: germline. Affected: yes.
Comment: This variant is associated with the following publications: (PMID: 24728327, 17304050, 22903760)

Breakthrough Genomics
Classification: Likely benign. Review status: criteria provided, single submitter. Criteria: ACMG Guidelines, 2015. Collection method: not provided. Allele origin: germline. Inheritance: Autosomal dominant inheritance. Affected: yes.

PreventionGenetics, part of Exact Sciences
Classification: Benign. Review status: criteria provided, single submitter. Criteria: ACMG Guidelines, 2015. Collection method: clinical testing. Allele origin: germline.

ITMI
No classification provided. Condition: AllHighlyPenetrant. Last evaluated: 2013-09-19. Review status: no classification provided. Collection method: reference population. Allele origin: germline. Not counted in ClinVar's aggregate classification.
Comment: Please see associated publication for description of ethnicities

Biesecker Lab/Clinical Genomics Section, National Institutes of Health
Classification: Benign. Last evaluated: 2012-07-13. Review status: no assertion criteria provided. Collection method: research. Allele origin: germline. Affected: no. Observed: 1 variant allele. Study: ClinSeq. Not counted in ClinVar's aggregate classification.
ClinVar note: Converted during submission from no known pathogenicity to Benign.

Clinical Genetics DNA and cytogenetics Diagnostics Lab, Erasmus MC, Erasmus Medical Center
Classification: Benign. Review status: no assertion criteria provided. Collection method: clinical testing. Allele origin: germline. Affected: yes. Study: VKGL Data-share Consensus. Not counted in ClinVar's aggregate classification.

Genetic Services Laboratory, University of Chicago
Classification: Likely benign for AllHighlyPenetrant. Review status: no assertion criteria provided. Collection method: clinical testing. Allele origin: germline. Inheritance: Autosomal dominant inheritance. Not counted in ClinVar's aggregate classification.
Comment: Likely benign based on allele frequency in 1000 Genomes Project or ESP global frequency and its presence in a patient with a rare or unrelated disease phenotype. NOT Sanger confirmed.

Genome Diagnostics Laboratory, Amsterdam University Medical Center
Classification: Benign. Review status: no assertion criteria provided. Collection method: clinical testing. Allele origin: germline. Affected: yes. Study: VKGL Data-share Consensus. Not counted in ClinVar's aggregate classification.

Tuberous sclerosis database (TSC2)
No classification provided. Condition: TSC. Review status: no classification provided. Criteria: Tuberous Sclerosis Database Assertion Criteria 2015. Collection method: curation. Allele origin: germline. Affected: yes. Not counted in ClinVar's aggregate classification.

Literature cited by the submitters: PubMed 17304050 (cited by Athena Diagnostics); PubMed 22903760 (cited by Athena Diagnostics); PubMed 24728327 (cited by 3 submitters).

NM_000548.5(TSC2):c.5321G>C (p.Ser1774Thr)

Genes: PKD1 (polycystin 1, transient receptor potential channel interacting; minus strand), TSC2 (TSC complex subunit 2; plus strand). Cytogenetic location: 16p13.3.
Variant type: single nucleotide variant.
Coding change: c.5321G>C on transcript NM_000548.5 (MANE Select); coding-DNA position 5321, G replaced by C.
Protein change: p.Ser1774Thr; replaces serine 1774 with threonine.
Molecular consequence: missense variant.
Genome position (GRCh38, 1-based): chr16:2,088,507, G>C. VCF-style: chr16-2088507-G-C. GRCh37 (hg19) VCF-style: chr16-2138508-G-C.
Other names: c.5321G>C (NM_000548.4); c.5120G>C, p.Ser1707Thr (NM_001077183.3); c.5252G>C, p.Ser1751Thr (NM_001114382.3); c.5012G>C, p.Ser1671Thr (NM_001318827.2); c.4976G>C, p.Ser1659Thr (NM_001318829.2); c.4589G>C, p.Ser1530Thr (NM_001318831.2); c.5153G>C, p.Ser1718Thr (NM_001318832.2); c.5123G>C, p.Ser1708Thr (NM_001363528.2); and 3 more; short protein forms S1774T, S1659T, S1671T, S1708T, S1718T, S1727T, S1530T, S1707T.
Identifiers: ClinVar variation 41745 (VCV000041745.76), dbSNP rs9209, ClinGen allele CA022390.